The following is an entry in ClinVar:

ClinVar aggregate classification (germline): Conflicting classifications of pathogenicity. Review status: criteria provided, conflicting classifications (1 of 4 stars). 3 submissions from 3 submitters: Uncertain significance (2); Likely benign (1). Last evaluated 2023-05-03.

Conditions:
Hereditary breast ovarian cancer syndrome. Also called: Hereditary breast and ovarian cancer syndrome; Breast and ovarian cancer; BRCA1- and BRCA2-Associated Hereditary Breast and Ovarian Cancer; Hereditary breast and ovarian cancer; Hereditary breast and/or ovarian cancer syndrome; Hereditary breast and ovarian cancer syndrome (HBOC). Identifiers: Orphanet 145, MedGen C0677776, MeSH D061325, MONDO:0003582. Disease mechanism: loss of function.
Hereditary cancer-predisposing syndrome. Also called: Hereditary neoplastic syndrome; Neoplastic Syndromes, Hereditary; Tumor predisposition; Hereditary Cancer Syndrome. Identifiers: Orphanet 140162, MedGen C0027672, MeSH D009386, MONDO:0015356.

Submissions (3):

Quest Diagnostics Nichols Institute San Juan Capistrano
Classification: Uncertain significance. Last evaluated: 2023-05-03. Review status: criteria provided, single submitter. Criteria: Quest Diagnostics criteria. Collection method: clinical testing. Allele origin: unknown.
Comment: It has not been reported in large, multi-ethnic general populations. In the published literature, the variant has not been reported in individuals with BRCA2-related disease. Analysis of this variant using bioinformatics tools for the prediction of the effect of amino acid changes on protein structure and function yielded predictions that this variant is benign. Based on the available information, we are unable to determine the clinical significance of this variant.

University of Washington Department of Laboratory Medicine, University of Washington
Classification: Likely benign for Hereditary cancer-predisposing syndrome. Last evaluated: 2023-03-23. Review status: criteria provided, single submitter. Criteria: Dines et al. (Genet Med. 2020). Collection method: curation. Allele origin: germline.
Comment: Missense variant in a coldspot region where missense variants are very unlikely to be pathogenic (PMID:31911673).

BRCA2 exon 10 coldspot. Reclassification based on statistical prior probability.

Labcorp Genetics (formerly Invitae), Labcorp
Classification: Uncertain significance for Hereditary breast ovarian cancer syndrome. Last evaluated: 2019-12-11. Review status: criteria provided, single submitter. Criteria: Invitae Variant Classification Sherloc (09022015). Collection method: clinical testing. Allele origin: germline.
Comment: In summary, the available evidence is currently insufficient to determine the role of this variant in disease. Therefore, it has been classified as a Variant of Uncertain Significance. Algorithms developed to predict the effect of missense changes on protein structure and function output the following: SIFT: "Deleterious"; PolyPhen-2: "Benign"; Align-GVGD: "Class C0". The lysine amino acid residue is found in multiple mammalian species, suggesting that this missense change does not adversely affect protein function. These predictions have not been confirmed by published functional studies and their clinical significance is uncertain. This variant has not been reported in the literature in individuals with BRCA2-related conditions. This variant is not present in population databases (ExAC no frequency). This sequence change replaces glutamic acid with lysine at codon 462 of the BRCA2 protein (p.Glu462Lys). The glutamic acid residue is moderately conserved and there is a small physicochemical difference between glutamic acid and lysine.

Literature cited by the submitters: PubMed 31911673 (cited by Quest Diagnostics Nichols Institute San Juan Capistrano).

NM_000059.4(BRCA2):c.1384G>A (p.Glu462Lys)

Gene: BRCA2 (BRCA2 DNA repair associated; plus strand). Cytogenetic location: 13q13.1.
Variant type: single nucleotide variant.
Coding change: c.1384G>A on transcript NM_000059.4 (MANE Select); coding-DNA position 1384, G replaced by A.
Protein change: p.Glu462Lys; replaces glutamic acid 462 with lysine.
Molecular consequence: missense variant.
Genome position (GRCh38, 1-based): chr13:32,332,862, G>A. VCF-style: chr13-32332862-G-A. GRCh37 (hg19) VCF-style: chr13-32906999-G-A.
Other names: short protein forms E462K.
Identifiers: ClinVar variation 835304 (VCV000835304.12), dbSNP rs1593892698, ClinGen allele CA387763024.